The following is an entry in ClinVar:

ClinVar aggregate classification (germline): Pathogenic/Likely pathogenic. Review status: criteria provided, multiple submitters, no conflicts (2 of 4 stars). 2 submissions from 2 submitters: Pathogenic (1); Likely pathogenic (1). Last evaluated 2025-01-03.

Conditions:
Lafora disease. Also called: Progressive Myoclonus Epilepsy, Lafora Type; Epilepsy progressive myoclonic 2. Identifiers: Orphanet 501, MedGen C0751783, MONDO:0009697.
Progressive myoclonic epilepsy. Also called: Familial progressive myoclonic epilepsy; Progressive myoclonus epilepsy; Myoclonic Epilepsies, Progressive; Myoclonus epilepsy. Identifiers: Orphanet 308, Orphanet 98261, MedGen C0751778, MONDO:0020074.

Allele frequency attached by ClinVar (database versions not stated): gnomAD exomes below 0.00001; ExAC 0.00001; gnomAD 0.00001; 1000 Genomes Project 30x 0.00016; 1000 Genomes Project 0.00020.
gnomAD v4.1: 1 of 1,614,204 alleles (0.000062%); highest among the groups gnomAD compares: Admixed American, 0.0017%; no homozygotes.

Submissions (2):

Broad Center for Mendelian Genomics, Broad Institute of MIT and Harvard
Classification: Likely pathogenic for Lafora disease. Last evaluated: 2025-01-03. Review status: criteria provided, single submitter. Criteria: ACMG Guidelines, 2015. Collection method: curation. Allele origin: germline. Inheritance: Autosomal recessive inheritance.
Comment: The p.His265Arg variant in EPM2A has been reported, in the compound heterozygous state, in one individual with Lafora disease (PMID: 25246353), and has been identified in 0.002% (1/60034) of Latino/Admixed American chromosomes by the Genome Aggregation Database (gnomAD; dbSNP ID: rs201053542). Although this variant has been seen in the general population in a heterozygous state, its frequency is low enough to be consistent with a recessive carrier frequency. This variant has also been reported in ClinVar (Variation ID: 1047431) and has been interpreted as pathogenic by Invitae. Computational prediction tools and conservation analyses suggest that this variant may impact the protein, though this information is not predictive enough to determine pathogenicity. The phenotype of the individual heterozygous for this variant is highly specific for Lafora disease based on presence of lafora bodies on biopsy consistent with disease (PMID: 25246353). In summary, although additional studies are required to fully establish its clinical significance, this variant is likely pathogenic for autosomal recessive Lafora disease. ACMG/AMP Criteria applied: PP3_moderate, PM2_supporting, PM3, PP4 (Richards 2015).

Labcorp Genetics (formerly Invitae), Labcorp
Classification: Pathogenic for Progressive myoclonic epilepsy. Last evaluated: 2022-11-21. Review status: criteria provided, single submitter. Criteria: Invitae Variant Classification Sherloc (09022015). Collection method: clinical testing. Allele origin: germline.
Comment: This sequence change replaces histidine, which is basic and polar, with arginine, which is basic and polar, at codon 265 of the EPM2A protein (p.His265Arg). This variant is present in population databases (rs201053542, gnomAD 0.003%). This missense change has been observed in individual(s) with Lafora disease (PMID: 25246353; Invitae). In at least one individual the data is consistent with being in trans (on the opposite chromosome) from a pathogenic variant. It has also been observed to segregate with disease in related individuals. ClinVar contains an entry for this variant (Variation ID: 1047431). Algorithms developed to predict the effect of missense changes on protein structure and function (SIFT, PolyPhen-2, Align-GVGD) all suggest that this variant is likely to be disruptive. For these reasons, this variant has been classified as Pathogenic.

Literature cited by the submitters: PubMed 25246353 (cited by Labcorp Genetics (formerly Invitae), Labcorp).

NM_005670.4(EPM2A):c.794A>G (p.His265Arg)

Gene: EPM2A (EPM2A glucan phosphatase, laforin; minus strand). Cytogenetic location: 6q24.3.
Variant type: single nucleotide variant.
Coding change: c.794A>G on transcript NM_005670.4 (MANE Select); coding-DNA position 794, A replaced by G.
Protein change: p.His265Arg; replaces histidine 265 with arginine.
Molecular consequence: missense variant. On other transcripts: synonymous variant (1), non-coding transcript variant (1).
Genome position (GRCh38, 1-based): chr6:145,627,618, T>C on the plus strand (A>G on the coding strand, the complement: EPM2A is on the minus strand). VCF-style: chr6-145627618-T-C. GRCh37 (hg19) VCF-style: chr6-145948754-T-C.
Other names: NM_005670.4(EPM2A):c.794A>G; p.His265Arg; c.794A>G, p.His265Arg (NM_001018041.2); c.552A>G, p.Ala184= (NM_001360057.2); c.380A>G, p.His127Arg (NM_001360064.2, NM_001360071.2, NM_001368131.1); c.332A>G, p.His111Arg (NM_001368129.2, NM_001368132.1); short protein forms H111R, H127R, H265R.
Identifiers: ClinVar variation 1047431 (VCV001047431.10), dbSNP rs201053542, ClinGen allele CA4035076.